The following is an entry in ClinVar:

NM_016180.5(SLC45A2):c.126G>A (p.Met42Ile)

Gene: SLC45A2 (solute carrier family 45 member 2; minus strand). Cytogenetic location: 5p13.2.
Variant type: single nucleotide variant.
Coding change: c.126G>A on transcript NM_016180.5 (MANE Select); coding-DNA position 126, G replaced by A.
Protein change: p.Met42Ile; replaces methionine 42 with isoleucine.
Molecular consequence: missense variant.
Genome position (GRCh38, 1-based): chr5:33,984,458, C>T on the plus strand (G>A on the coding strand, the complement: SLC45A2 is on the minus strand). VCF-style: chr5-33984458-C-T. GRCh37 (hg19) VCF-style: chr5-33984563-C-T.
Other names: c.126G>A, p.Met42Ile (NM_001012509.4, NM_001297417.4); short protein forms M42I.
Identifiers: ClinVar variation 2203626 (VCV002203626.2), dbSNP rs1579564783, ClinGen allele CA359397761.

ClinVar aggregate classification (germline): Conflicting classifications of pathogenicity. Review status: criteria provided, conflicting classifications (1 of 4 stars). 2 submissions from 2 submitters: Likely pathogenic (1); Uncertain significance (1). Last evaluated 2022-07-13.

Conditions:
SLC45A2-related disorder. Also called: SLC45A2-related condition.

gnomAD v4.1: 8 of 1,613,844 alleles (0.0005%); highest among the groups gnomAD compares: South Asian, 0.0044%; no homozygotes.

Submissions (2):

Blueprint Genetics
Classification: Likely pathogenic for SLC45A2-related disorders. Last evaluated: 2022-07-13. Review status: criteria provided, single submitter. Criteria: ACMG Guidelines, 2015. Collection method: clinical testing. Allele origin: germline. Affected: yes. Observed: 2 variant alleles.

Labcorp Genetics (formerly Invitae), Labcorp
Classification: Uncertain significance. Last evaluated: 2021-12-19. Review status: criteria provided, single submitter. Criteria: Invitae Variant Classification Sherloc (09022015). Collection method: clinical testing. Allele origin: germline.
Comment: This sequence change replaces methionine, which is neutral and non-polar, with isoleucine, which is neutral and non-polar, at codon 42 of the SLC45A2 protein (p.Met42Ile). This variant is not present in population databases (gnomAD no frequency). This missense change has been observed in individuals with ocular albinism (PMID: 17768386, 20861488). Algorithms developed to predict the effect of missense changes on protein structure and function are either unavailable or do not agree on the potential impact of this missense change (SIFT: "Deleterious"; PolyPhen-2: "Probably Damaging"; Align-GVGD: "Class C0"). In summary, the available evidence is currently insufficient to determine the role of this variant in disease. Therefore, it has been classified as a Variant of Uncertain Significance.

Literature cited by the submitters: PubMed 17768386 (cited by Labcorp Genetics (formerly Invitae), Labcorp); PubMed 20861488 (cited by Labcorp Genetics (formerly Invitae), Labcorp).